The following is an entry in ClinVar:

NM_015978.3(TNNI3K):c.2296_2298del (p.Arg766del)

Genes: FPGT-TNNI3K (FPGT-TNNI3K readthrough; plus strand), LRRC53 (leucine rich repeat containing 53; minus strand), TNNI3K (TNNI3 interacting kinase; plus strand). Cytogenetic location: 1p31.1.
Variant type: Deletion.
Coding change: c.2296_2298del on transcript NM_015978.3 (MANE Select); coding-DNA positions 2296 to 2298, 3 bases deleted (CGT; older notation c.2296_2298delCGT).
Protein change: p.Arg766del; deletes arginine 766.
Molecular consequence: inframe deletion. On other transcripts: intron variant (2).
Genome position (GRCh38, 1-based): chr1:74,492,211-74,492,213, CGT deleted; deleting any 3 consecutive bases within chr1:74,492,209-74,492,213 gives the same sequence; the c. name uses the placement nearest the transcript's 3' end. VCF-style (leftmost placement, unchanged base first): chr1-74492208-AGTC-A. GRCh37 (hg19) VCF-style: chr1-74957892-AGTC-A.
Other names: c.2599_2601del, p.Arg867del (NM_001112808.3); c.-8-11243_-8-11241del (NM_001364666.2); c.-26-8836_-26-8834del (NM_001382280.1); short protein forms R766del, R867del.
Identifiers: ClinVar variation 2993403 (VCV002993403.3), dbSNP rs1424752676, ClinGen allele CA524230044.

ClinVar aggregate classification (germline): Uncertain significance (1 of 4 stars; one submission).

Submission:

Labcorp Genetics (formerly Invitae), Labcorp
Classification: Uncertain significance. Last evaluated: 2023-12-06. Review status: criteria provided, single submitter. Criteria: Invitae Variant Classification Sherloc (09022015). Collection method: clinical testing. Allele origin: germline.
Comment: This variant, c.2296_2298del, results in the deletion of 1 amino acid(s) of the TNNI3K protein (p.Arg766del), but otherwise preserves the integrity of the reading frame. This variant is present in population databases (no rsID available, gnomAD 0.002%). This variant has not been reported in the literature in individuals affected with TNNI3K-related conditions. Experimental studies and prediction algorithms are not available or were not evaluated, and the functional significance of this variant is currently unknown. In summary, the available evidence is currently insufficient to determine the role of this variant in disease. Therefore, it has been classified as a Variant of Uncertain Significance.